The following is an entry in ClinVar:

ClinVar aggregate classification (germline): Benign (1 of 4 stars; one submission).

Allele frequency attached by ClinVar (database versions not stated): TOPMed 0.30474; gnomAD 0.31163 and 0.32564; 1000 Genomes Project 30x 0.36212; 1000 Genomes Project 0.37740.
gnomAD v4.1: 49,560 of 152,212 alleles (33%); highest among the groups gnomAD compares: East Asian, 67%; 10,085 homozygotes.

Submission:

GeneDx
Classification: Benign. Last evaluated: 2019-08-23. Review status: criteria provided, single submitter. Criteria: GeneDx Variant Classification Process June 2021. Collection method: clinical testing. Allele origin: germline. Affected: yes.
Comment: This variant is associated with the following publications: (PMID: 30354304)

NM_030948.6(PHACTR1):c.251-149640A>G

Gene: PHACTR1 (phosphatase and actin regulator 1; plus strand). Cytogenetic location: 6p24.1.
Variant type: single nucleotide variant.
Coding change: c.251-149640A>G on transcript NM_030948.6 (MANE Select); 149640 bases into the intron before coding-DNA position 251, A replaced by G.
Molecular consequence: intron variant. On other transcripts: 3 prime UTR variant (1).
Genome position (GRCh38, 1-based): chr6:12,903,725, A>G. VCF-style: chr6-12903725-A-G. GRCh37 (hg19) VCF-style: chr6-12903957-A-G.
Other names: c.*1008A>G (NM_001374584.1); c.251-149640A>G (NM_001242648.4, NM_001374581.2, NM_001322308.3 and 3 more transcripts).
Identifiers: ClinVar variation 1289844 (VCV001289844.2), dbSNP rs9349379, ClinGen allele CA12315345.